The following is an entry in ClinVar:

ClinVar aggregate classification (germline): Likely benign (0 of 4 stars; one submission).

Conditions:
IGSF1-related disorder. Also called: IGSF1-related condition.

Allele frequency attached by ClinVar (database versions not stated): gnomAD 0.00007; TOPMed 0.00004; ExAC 0.00027; 1000 Genomes Project 30x 0.00083; gnomAD exomes 0.00013; 1000 Genomes Project 0.00079.
gnomAD v4.1: 156 of 1,210,161 alleles (0.013%); highest among the groups gnomAD compares: South Asian, 0.25%; 1 homozygote.

Submission:

PreventionGenetics, part of Exact Sciences
Classification: Likely benign for IGSF1-related condition. Last evaluated: 2019-03-20. Review status: no assertion criteria provided. Collection method: clinical testing. Allele origin: germline.
Comment: This variant is classified as likely benign based on ACMG/AMP sequence variant interpretation guidelines (Richards et al. 2015 PMID: 25741868, with internal and published modifications).

NM_001555.5(IGSF1):c.510G>A (p.Glu170=)

Gene: IGSF1 (immunoglobulin superfamily member 1; minus strand). Cytogenetic location: Xq26.1.
Variant type: single nucleotide variant.
Coding change: c.510G>A on transcript NM_001555.5 (MANE Select); coding-DNA position 510, G replaced by A.
Protein change: p.Glu170=; no amino-acid change (glutamic acid 170 retained).
Molecular consequence: synonymous variant.
Genome position (GRCh38, 1-based): chrX:131,285,336, C>T on the plus strand (G>A on the coding strand, the complement: IGSF1 is on the minus strand). VCF-style: chrX-131285336-C-T. GRCh37 (hg19) VCF-style: chrX-130419310-C-T.
Other names: c.510G>A, p.Glu170= (NM_001170961.2, NM_001170963.2, NM_205833.4); c.483G>A, p.Glu161= (NM_001170962.2).
Identifiers: ClinVar variation 3034325 (VCV003034325.2), dbSNP rs779056528, ClinGen allele CA10518183.